The following is an entry in ClinVar:

ClinVar aggregate classification (germline): Likely pathogenic (1 of 4 stars; one submission).

Conditions:
Primary ciliary dyskinesia 3. Identifiers: Orphanet 244, MedGen C1837618, MONDO:0012085, OMIM 608644.

Submission:

Myriad Genetics, Inc.
Classification: Likely pathogenic for Primary ciliary dyskinesia 3. Last evaluated: 2022-01-24. Review status: criteria provided, single submitter. Criteria: Myriad Women's Health Autosomal Recessive and X-Linked Classification Criteria (2021). Collection method: clinical testing. Allele origin: unknown.
Comment: NM_001369.2(DNAH5):c.10201G>T(G3401*) is expected to be pathogenic in the context of DNAH5-related primary ciliary dyskinesia. This variant is predicted to lead to an abnormal or absent protein product due to the creation of a premature termination codon in DNAH5, a gene where loss-of-function variants are known to be pathogenic. Please note: this variant was assessed in the context of healthy population screening.

NM_001369.3(DNAH5):c.10201G>T (p.Gly3401Ter)

Gene: DNAH5 (dynein axonemal heavy chain 5; minus strand). Cytogenetic location: 5p15.2.
Variant type: single nucleotide variant.
Coding change: c.10201G>T on transcript NM_001369.3 (MANE Select); coding-DNA position 10201, G replaced by T.
Protein change: p.Gly3401Ter; replaces glycine 3401 with a stop codon.
Molecular consequence: nonsense.
Genome position (GRCh38, 1-based): chr5:13,762,802, C>A on the plus strand (G>T on the coding strand, the complement: DNAH5 is on the minus strand). VCF-style: chr5-13762802-C-A. GRCh37 (hg19) VCF-style: chr5-13762911-C-A.
Other names: short protein forms G3401*.
Identifiers: ClinVar variation 1724031 (VCV001724031.2), dbSNP rs2546640737, ClinGen allele CA359198255.